The following is an entry in ClinVar:

NM_000742.4(CHRNA2):c.257T>A (p.Val86Glu)

Gene: CHRNA2 (cholinergic receptor nicotinic alpha 2 subunit; minus strand). Cytogenetic location: 8p21.2.
Variant type: single nucleotide variant.
Coding change: c.257T>A on transcript NM_000742.4 (MANE Select); coding-DNA position 257, T replaced by A.
Protein change: p.Val86Glu; replaces valine 86 with glutamic acid.
Molecular consequence: missense variant. On other transcripts: 5 prime UTR variant (2), intron variant (3).
Genome position (GRCh38, 1-based): chr8:27,469,798, A>T on the plus strand (T>A on the coding strand, the complement: CHRNA2 is on the minus strand). VCF-style: chr8-27469798-A-T. GRCh37 (hg19) VCF-style: chr8-27327315-A-T.
Other names: c.-216T>A (NM_001347706.2); c.-205T>A (NM_001347708.2); c.-179+8T>A (NM_001347705.2); c.249+8T>A (NM_001282455.2); c.-165+8T>A (NM_001347707.2); short protein forms V86E.
Identifiers: ClinVar variation 2868401 (VCV002868401.3), dbSNP rs749670139, ClinGen allele CA4689750.
Genomic context (GRCh38, chr8:27,469,798, plus strand): 5'-CAGCGGTGGGAAGACAGGCGCACCACATCGATGAGCTGAGCGATGGACAGTCCAAAGCGC[A>T]CAATCACCACGTCTGAAGTGTTGGGCACCGGGCGCGCCCAGCGGTTGTAGCCCCGGAAGA-3'
Protein context (NP_000733.2, residues 76-96): PVPNTSDVVI[Val86Glu]RFGLSIAQLI

ClinVar aggregate classification (germline): Uncertain significance (1 of 4 stars; one submission).

Conditions:
Familial sleep-related hypermotor epilepsy. Also called: Autosomal Dominant Sleep-Related Hypermotor (Hyperkinetic) Epilepsy. Identifiers: Orphanet 98784, MedGen C3696898, MONDO:0000030.

Allele frequency attached by ClinVar (database versions not stated): ExAC 0.00001; gnomAD 0.00001.
gnomAD v4.1: 3 of 1,614,080 alleles (0.00019%); highest among the groups gnomAD compares: East Asian, 0.0067%; no homozygotes.

Submission:

Labcorp Genetics (formerly Invitae), Labcorp
Classification: Uncertain significance. Last evaluated: 2025-12-30. Review status: criteria provided, single submitter. Criteria: Invitae Variant Classification Sherloc (09022015). Collection method: clinical testing. Allele origin: germline.
Comment: This sequence change replaces valine, which is neutral and non-polar, with glutamic acid, which is acidic and polar, at codon 86 of the CHRNA2 protein (p.Val86Glu). This variant is present in population databases (rs749670139, gnomAD 0.01%). This variant has not been reported in the literature in individuals affected with CHRNA2-related conditions. ClinVar contains an entry for this variant (Variation ID: 2868401). Invitae Evidence Modeling of protein sequence and biophysical properties (such as structural, functional, and spatial information, amino acid conservation, physicochemical variation, residue mobility, and thermodynamic stability) indicates that this missense variant is expected to disrupt CHRNA2 protein function with a positive predictive value of 80%. In summary, the available evidence is currently insufficient to determine the role of this variant in disease. Therefore, it has been classified as a Variant of Uncertain Significance.